The following is an entry in ClinVar:

ClinVar aggregate classification (germline): Uncertain significance (1 of 4 stars; one submission).

Conditions:
DiGeorge syndrome. Also called: THIRD AND FOURTH PHARYNGEAL POUCH SYNDROME; Catch22. Identifiers: Orphanet 567, MedGen C0012236, MONDO:0008564, OMIM 188400.

Allele frequency attached by ClinVar (database versions not stated): gnomAD exomes below 0.00001; gnomAD 0.00001.
gnomAD v4.1: 2 of 940,066 alleles (0.00021%); highest among the groups gnomAD compares: Non-Finnish European, 0.00026%; no homozygotes.

Submission:

Labcorp Genetics (formerly Invitae), Labcorp
Classification: Uncertain significance for DiGeorge syndrome. Last evaluated: 2022-08-09. Review status: criteria provided, single submitter. Criteria: Invitae Variant Classification Sherloc (09022015). Collection method: clinical testing. Allele origin: germline.
Comment: In summary, the available evidence is currently insufficient to determine the role of this variant in disease. Therefore, it has been classified as a Variant of Uncertain Significance. Algorithms developed to predict the effect of missense changes on protein structure and function are either unavailable or do not agree on the potential impact of this missense change (SIFT: "Deleterious"; PolyPhen-2: "Not Available"; Align-GVGD: "Class C0"). ClinVar contains an entry for this variant (Variation ID: 940773). This variant has not been reported in the literature in individuals affected with TBX1-related conditions. The frequency data for this variant in the population databases is considered unreliable, as metrics indicate insufficient coverage at this position in the gnomAD database. This sequence change replaces proline, which is neutral and non-polar, with threonine, which is neutral and polar, at codon 67 of the TBX1 protein (p.Pro67Thr).

NM_001379200.1(TBX1):c.226C>A (p.Pro76Thr)

Gene: TBX1 (T-box transcription factor 1; plus strand). Cytogenetic location: 22q11.21.
Variant type: single nucleotide variant.
Coding change: c.226C>A on transcript NM_001379200.1 (MANE Select); coding-DNA position 226, C replaced by A.
Protein change: p.Pro76Thr; replaces proline 76 with threonine.
Molecular consequence: missense variant.
Genome position (GRCh38, 1-based): chr22:19,761,069, C>A. VCF-style: chr22-19761069-C-A. GRCh37 (hg19) VCF-style: chr22-19748592-C-A.
Other names: c.199C>A, p.Pro67Thr (NM_005992.1, NM_080646.2, NM_080647.1); short protein forms P67T, P76T.
Identifiers: ClinVar variation 940773 (VCV000940773.9), dbSNP rs1936643083, ClinGen allele CA410681411.